The following is an entry in ClinVar:

ClinVar aggregate classification (germline): Likely pathogenic (1 of 4 stars; one submission).

Conditions:
Treacher Collins syndrome 1 (TCS1). Also called: TCOF1-Related Treacher Collins Syndrome. Identifiers: Orphanet 861, MedGen CN315775, MONDO:0007944, OMIM 154500.

Submission:

Labcorp Genetics (formerly Invitae), Labcorp
Classification: Likely pathogenic for Treacher Collins syndrome 1. Last evaluated: 2025-03-05. Review status: criteria provided, single submitter. Criteria: Invitae Variant Classification Sherloc (09022015). Collection method: clinical testing. Allele origin: germline.
Comment: This sequence change affects a donor splice site in intron 3 of the TCOF1 gene. It is expected to disrupt RNA splicing. Variants that disrupt the donor or acceptor splice site typically lead to a loss of protein function (PMID: 16199547), and loss-of-function variants in TCOF1 are known to be pathogenic (PMID: 8894686, 22317976). This variant is not present in population databases (gnomAD no frequency). Disruption of this splice site has been observed in individual(s) with clinical features of Treacher Collins syndrome (internal data). Algorithms developed to predict the effect of sequence changes on RNA splicing suggest that this variant may disrupt the consensus splice site. In summary, the currently available evidence indicates that the variant is pathogenic, but additional data are needed to prove that conclusively. Therefore, this variant has been classified as Likely Pathogenic.

Literature cited by the submitters: PubMed 16199547; PubMed 8894686; PubMed 22317976.

NM_001371623.1(TCOF1):c.304+1G>T

Gene: TCOF1 (treacle ribosome biogenesis factor 1; plus strand). Cytogenetic location: 5q32.
Variant type: single nucleotide variant.
Coding change: c.304+1G>T on transcript NM_001371623.1 (MANE Select); the canonical splice donor site of the intron after coding-DNA position 304, G replaced by T.
Molecular consequence: splice donor variant.
Genome position (GRCh38, 1-based): chr5:150,364,253, G>T. VCF-style: chr5-150364253-G-T. GRCh37 (hg19) VCF-style: chr5-149743816-G-T.
Other names: c.304+1G>T (NM_001135243.2, NM_001135244.2, NM_001195141.2 and 3 more transcripts).
Identifiers: ClinVar variation 3725841 (VCV003725841.2).
Genomic context (GRCh38, chr5:150,364,253, plus strand): 5'-TCAGCACCTCGGAGAGCTCGGAAGAGGAGGAAGAAGCAGAAGCCGAAACCGCCAAAGCCA[G>T]TAAGAGCCTTGCAGCTTTGGGAACAGGCTATGGAATATTGATTGTTCTAGGGTAGAGTCT-3'